The following is an entry in ClinVar:

NM_001370466.1(NOD2):c.1503dup (p.Asp502fs)

Gene: NOD2 (nucleotide binding oligomerization domain containing 2; plus strand). Cytogenetic location: 16q12.1.
Variant type: Duplication.
Coding change: c.1503dup on transcript NM_001370466.1 (MANE Select); coding-DNA position 1503, one base duplicated (A; older notation c.1503dupA).
Protein change: p.Asp502fs; shifts the reading frame from aspartic acid 502.
Molecular consequence: frameshift variant. On other transcripts: non-coding transcript variant (1).
Genome position (GRCh38, 1-based): chr16:50,711,495, A duplicated. VCF-style (leftmost placement, unchanged base first): chr16-50711494-C-CA. GRCh37 (hg19) VCF-style: chr16-50745405-C-CA.
Other names: c.1503dup, p.Asp502fs (NM_001293557.2); c.1584dup, p.Asp529fs (NM_022162.3); short protein forms D502fs, D529fs.
Identifiers: ClinVar variation 4794903 (VCV004794903.1).

ClinVar aggregate classification (germline): Uncertain significance (1 of 4 stars; one submission).

Conditions:
Blau syndrome (BLAUS). Also called: GRANULOMATOSIS, FAMILIAL JUVENILE SYSTEMIC; GRANULOMATOSIS, FAMILIAL, BLAU TYPE; GRANULOMATOUS INFLAMMATORY ARTHRITIS, DERMATITIS, AND UVEITIS, FAMILIAL; JABS SYNDROME; ARTHROCUTANEOUVEAL GRANULOMATOSIS. Identifiers: Orphanet 90340, MedGen C5201146, MONDO:0008523, OMIM 186580.
Regional enteritis. Also called: Enteritis, Granulomatous. Identifiers: MedGen C0678202, MeSH D003424.

Submission:

Labcorp Genetics (formerly Invitae), Labcorp
Classification: Uncertain significance for Regional enteritis; Blau syndrome. Last evaluated: 2026-01-26. Review status: criteria provided, single submitter. Criteria: Invitae Variant Classification Sherloc (09022015). Collection method: clinical testing. Allele origin: germline.
Comment: This sequence change creates a premature translational stop signal (p.Asp529Argfs*50) in the NOD2 gene. It is expected to result in an absent or disrupted protein product. However, the current clinical and genetic evidence is not sufficient to establish whether loss-of-function variants in NOD2 cause disease. This variant is not present in population databases (gnomAD no frequency). This variant has not been reported in the literature in individuals affected with NOD2-related conditions. In summary, the available evidence is currently insufficient to determine the role of this variant in disease. Therefore, it has been classified as a Variant of Uncertain Significance.